The following is an entry in ClinVar:

ClinVar aggregate classification (germline): Likely benign (0 of 4 stars; one submission).

Conditions:
CUL4B-related disorder. Also called: CUL4B-related condition.

Submission:

PreventionGenetics, part of Exact Sciences
Classification: Likely benign for CUL4B-related condition. Last evaluated: 2023-12-21. Review status: no assertion criteria provided. Collection method: clinical testing. Allele origin: germline.
Comment: This variant is classified as likely benign based on ACMG/AMP sequence variant interpretation guidelines (Richards et al. 2015 PMID: 25741868, with internal and published modifications).

NM_001079872.2(CUL4B):c.1449T>C (p.Phe483=)

Gene: CUL4B (cullin 4B; minus strand). Cytogenetic location: Xq24.
Variant type: single nucleotide variant.
Coding change: c.1449T>C on transcript NM_001079872.2 (MANE Select); coding-DNA position 1449, T replaced by C.
Protein change: p.Phe483=; no amino-acid change (phenylalanine 483 retained).
Molecular consequence: synonymous variant.
Genome position (GRCh38, 1-based): chrX:120,540,557, A>G on the plus strand (T>C on the coding strand, the complement: CUL4B is on the minus strand). VCF-style: chrX-120540557-A-G. GRCh37 (hg19) VCF-style: chrX-119674412-A-G.
Other names: c.1464T>C, p.Phe488= (NM_001330624.2); c.915T>C, p.Phe305= (NM_001369145.1); c.1503T>C, p.Phe501= (NM_003588.4).
Identifiers: ClinVar variation 3047882 (VCV003047882.2), dbSNP rs1602576227, ClinGen allele CA518225010.